The following is an entry in ClinVar:

ClinVar aggregate classification (germline): Likely pathogenic (1 of 4 stars; one submission).

Conditions:
Marfan syndrome (MFS). Also called: Marfan syndrome, classic; Marfan syndrome type 1; Marfan's syndrome; MARFAN SYNDROME, TYPE I; FBN1-Related Marfan Syndrome. Identifiers: Orphanet 284963, Orphanet 558, MedGen C0024796, MONDO:0007947, OMIM 154700.
Familial thoracic aortic aneurysm and aortic dissection (TAAD). Also called: Thoracic aortic aneurysms and dissections. Identifiers: Orphanet 91387, MedGen C4707243, MONDO:0019625.

Submission:

Labcorp Genetics (formerly Invitae), Labcorp
Classification: Likely pathogenic for Marfan syndrome; Familial thoracic aortic aneurysm and aortic dissection. Last evaluated: 2016-10-09. Review status: criteria provided, single submitter. Criteria: Invitae Variant Classification Sherloc (09022015). Collection method: clinical testing. Allele origin: germline.
Comment: This variant is not present in population databases (ExAC no frequency) and has not been reported in the literature in individuals with a FBN1-related disease. This sequence change replaces cysteine with tyrosine at codon 1736 of the FBN1 protein (p.Cys1736Tyr). The cysteine residue is highly conserved and there is a large physicochemical difference between cysteine and tyrosine. This variant affects a cysteine residue located within a TGFBP domain of the FBN1 protein. Cysteine residues in these domains are believed to be involved in intramolecular disulfide bridges and to be important for FBN1 structure. Although the exact function of the FBN1 TGFBP domains has not being elucidated (PMID: 10930463, 27437668), missense substitutions within the TGFBP domains affecting cysteine residues are significantly overrepresented among patients with Marfan syndrome (PMID: 16571647, 17701892). In summary, this variant is a novel missense change affecting a residue crucial for protein stability and function. Although additional genetic data will be necessary to further confirm pathogenicity for this variant, cysteine substitutions located in FBN1 TGFBP domains are likely deleterious. For these reasons, this variant has been classified as Likely Pathogenic.

Literature cited by the submitters: PubMed 10930463; PubMed 27437668; PubMed 16571647; PubMed 17701892.

NM_000138.5(FBN1):c.5207G>A (p.Cys1736Tyr)

Gene: FBN1 (fibrillin 1; minus strand). Cytogenetic location: 15q21.1.
Variant type: single nucleotide variant.
Coding change: c.5207G>A on transcript NM_000138.5 (MANE Select); coding-DNA position 5207, G replaced by A.
Protein change: p.Cys1736Tyr; replaces cysteine 1736 with tyrosine.
Molecular consequence: missense variant.
Genome position (GRCh38, 1-based): chr15:48,463,099, C>T on the plus strand (G>A on the coding strand, the complement: FBN1 is on the minus strand). VCF-style: chr15-48463099-C-T. GRCh37 (hg19) VCF-style: chr15-48755296-C-T.
Other names: short protein forms C1736Y.
Identifiers: ClinVar variation 406342 (VCV000406342.9), dbSNP rs1060501070, ClinGen allele CA16614644.